The following is an entry in ClinVar:

NM_001625.4(AK2):c.432T>G (p.Ile144Met)

Gene: AK2 (adenylate kinase 2; minus strand). Cytogenetic location: 1p35.1.
Variant type: single nucleotide variant.
Coding change: c.432T>G on transcript NM_001625.4 (MANE Select); coding-DNA position 432, T replaced by G.
Protein change: p.Ile144Met; replaces isoleucine 144 with methionine.
Molecular consequence: missense variant. On other transcripts: non-coding transcript variant (1).
Genome position (GRCh38, 1-based): chr1:33,014,588, A>C on the plus strand (T>G on the coding strand, the complement: AK2 is on the minus strand). VCF-style: chr1-33014588-A-C. GRCh37 (hg19) VCF-style: chr1-33480189-A-C.
Other names: c.408T>G, p.Ile136Met (NM_001199199.3); c.288T>G, p.Ile96Met (NM_001319139.3, NM_001319140.2); c.432T>G, p.Ile144Met (NM_001319141.3, NM_013411.5); c.306T>G, p.Ile102Met (NM_001319142.3); c.337T>G, p.Ser113Ala (NM_001319143.2); short protein forms I96M, S113A, I144M, I102M, I136M.
Identifiers: ClinVar variation 2088527 (VCV002088527.4), dbSNP rs2521965579, ClinGen allele CA339700899.

ClinVar aggregate classification (germline): Uncertain significance (1 of 4 stars; one submission).

Conditions:
Reticular dysgenesis. Also called: ALEUKOCYTOSIS; CONGENITAL ALEUKIA; HEMATOPOIETIC HYPOPLASIA, GENERALIZED; RETICULAR DYSGENESIA; SEVERE COMBINED IMMUNODEFICIENCY WITH LEUKOPENIA; DeVaal disease. Identifiers: Orphanet 33355, MedGen C0272167, MONDO:0009973, OMIM 267500.

Submission:

Labcorp Genetics (formerly Invitae), Labcorp
Classification: Uncertain significance for Reticular dysgenesis. Last evaluated: 2022-01-21. Review status: criteria provided, single submitter. Criteria: Invitae Variant Classification Sherloc (09022015). Collection method: clinical testing. Allele origin: germline.
Comment: In summary, the available evidence is currently insufficient to determine the role of this variant in disease. Therefore, it has been classified as a Variant of Uncertain Significance. Algorithms developed to predict the effect of missense changes on protein structure and function are either unavailable or do not agree on the potential impact of this missense change (SIFT: "Deleterious"; PolyPhen-2: "Probably Damaging"; Align-GVGD: "Class C0"). This variant has not been reported in the literature in individuals affected with AK2-related conditions. This variant is not present in population databases (gnomAD no frequency). This sequence change replaces isoleucine, which is neutral and non-polar, with methionine, which is neutral and non-polar, at codon 144 of the AK2 protein (p.Ile144Met).